The following is an entry in ClinVar:

NM_001042492.3(NF1):c.2422C>T (p.Leu808Phe)

Gene: NF1 (neurofibromin 1; plus strand). Cytogenetic location: 17q11.2.
Variant type: single nucleotide variant.
Coding change: c.2422C>T on transcript NM_001042492.3 (MANE Select); coding-DNA position 2422, C replaced by T.
Protein change: p.Leu808Phe; replaces leucine 808 with phenylalanine.
Molecular consequence: missense variant.
Genome position (GRCh38, 1-based): chr17:31,229,037, C>T. VCF-style: chr17-31229037-C-T. GRCh37 (hg19) VCF-style: chr17-29556055-C-T.
Other names: c.2422C>T, p.Leu808Phe (NM_000267.4); short protein forms L808F.
Identifiers: ClinVar variation 967307 (VCV000967307.8), dbSNP rs2067064463, ClinGen allele CA398983826.

ClinVar aggregate classification (germline): Conflicting classifications of pathogenicity. Review status: criteria provided, conflicting classifications (1 of 4 stars). 2 submissions from 2 submitters: Uncertain significance (1); Likely benign (1). Last evaluated 2026-06-16.

Conditions:
Hereditary cancer-predisposing syndrome. Also called: Neoplastic Syndromes, Hereditary; Hereditary Cancer Syndrome; Tumor predisposition; Hereditary neoplastic syndrome. Identifiers: Orphanet 140162, MedGen C0027672, MeSH D009386, MONDO:0015356.
Cardiovascular phenotype. Identifiers: MedGen CN230736.
Neurofibromatosis, type 1 (NF1). Also called: Peripheral type neurofibromatosis; VON RECKLINGHAUSEN DISEASE; Neurofibromatosis, type I; NEUROFIBROMATOSIS, TYPE I, SOMATIC. Identifiers: Orphanet 636, MedGen C0027831, MONDO:0018975, OMIM 162200. Disease mechanism: loss of function.

Submissions (2):

Ambry Genetics
Classification: Likely benign for Cardiovascular phenotype; Hereditary cancer-predisposing syndrome. Last evaluated: 2026-06-16. Review status: criteria provided, single submitter. Criteria: Ambry Variant Classification Scheme 2023. Collection method: clinical testing. Allele origin: germline.

Labcorp Genetics (formerly Invitae), Labcorp
Classification: Uncertain significance for Neurofibromatosis, type 1. Last evaluated: 2023-09-26. Review status: criteria provided, single submitter. Criteria: Invitae Variant Classification Sherloc (09022015). Collection method: clinical testing. Allele origin: germline.
Comment: This sequence change replaces leucine, which is neutral and non-polar, with phenylalanine, which is neutral and non-polar, at codon 808 of the NF1 protein (p.Leu808Phe). This variant is not present in population databases (gnomAD no frequency). This variant has not been reported in the literature in individuals affected with NF1-related conditions. ClinVar contains an entry for this variant (Variation ID: 967307). Advanced modeling of protein sequence and biophysical properties (such as structural, functional, and spatial information, amino acid conservation, physicochemical variation, residue mobility, and thermodynamic stability) performed at Invitae indicates that this missense variant is not expected to disrupt NF1 protein function. In summary, the available evidence is currently insufficient to determine the role of this variant in disease. Therefore, it has been classified as a Variant of Uncertain Significance.